The following is an entry in ClinVar:

ClinVar aggregate classification (germline): Uncertain significance. Review status: criteria provided, multiple submitters, no conflicts (2 of 4 stars). 2 submissions from 2 submitters: Uncertain significance (2). Last evaluated 2026-04-24.

gnomAD v4.1: 14 of 1,612,896 alleles (0.00087%); highest among the groups gnomAD compares: Non-Finnish European, 0.0012%; no homozygotes.

Submissions (2):

GeneDx
Classification: Uncertain significance. Last evaluated: 2026-04-24. Review status: criteria provided, single submitter. Criteria: GeneDx Variant Classification Process June 2021. Collection method: clinical testing. Allele origin: germline.
Comment: In silico analysis supports that this missense variant has a deleterious effect on protein structure/function; Has not been previously published as pathogenic or benign to our knowledge

Blueprint Genetics
Classification: Uncertain significance. Last evaluated: 2024-11-20. Review status: criteria provided, single submitter. Criteria: ACMG Guidelines, 2015. Collection method: clinical testing. Allele origin: germline.

NM_021957.4(GYS2):c.986C>T (p.Ala329Val)

Gene: GYS2 (glycogen synthase 2; minus strand). Cytogenetic location: 12p12.1.
Variant type: single nucleotide variant.
Coding change: c.986C>T on transcript NM_021957.4 (MANE Select); coding-DNA position 986, C replaced by T.
Protein change: p.Ala329Val; replaces alanine 329 with valine.
Molecular consequence: missense variant.
Genome position (GRCh38, 1-based): chr12:21,562,994, G>A on the plus strand (C>T on the coding strand, the complement: GYS2 is on the minus strand). VCF-style: chr12-21562994-G-A. GRCh37 (hg19) VCF-style: chr12-21715928-G-A.
Other names: c.986C>T (NM_021957.3); short protein forms A329V.
Identifiers: ClinVar variation 4915883 (VCV004915883.2).
Genomic context (GRCh38, chr12:21,562,994, plus strand): 5'-AGCCTGGATAAGGATTCTAGGAAGATGTCAGCTCCTTTGTTTGAAAACTCATACCTCCCA[G>A]CAATGAAAAGGAACAAAGTCTTTTCAAGATCAAAGTCGAGATGACTAAAACAAAACAAAA-3'
Protein context (NP_068776.2, residues 319-339): DLEKTLFLFI[Ala329Val]GRYEFSNKGA